The following is an entry in ClinVar:

NM_152490.5(B3GALNT2):c.369T>C (p.Asn123=)

Gene: B3GALNT2 (beta-1,3-N-acetylgalactosaminyltransferase 2; minus strand). Cytogenetic location: 1q42.3.
Variant type: single nucleotide variant.
Coding change: c.369T>C on transcript NM_152490.5 (MANE Select); coding-DNA position 369, T replaced by C.
Protein change: p.Asn123=; no amino-acid change (asparagine 123 retained).
Molecular consequence: synonymous variant.
Genome position (GRCh38, 1-based): chr1:235,484,508, A>G on the plus strand (T>C on the coding strand, the complement: B3GALNT2 is on the minus strand). VCF-style: chr1-235484508-A-G. GRCh37 (hg19) VCF-style: chr1-235647824-A-G.
Other names: c.492T>C, p.Asn164= (NM_001277155.3).
Identifiers: ClinVar variation 509485 (VCV000509485.17), dbSNP rs149734145, ClinGen allele CA1464921.

ClinVar aggregate classification (germline): Likely benign. Review status: criteria provided, multiple submitters, no conflicts (2 of 4 stars). 4 submissions from 4 submitters: Likely benign (4). Last evaluated 2026-03-01.

Conditions:
Muscular dystrophy-dystroglycanopathy (congenital with brain and eye anomalies), type a, 11 (MDDGA11). Also called: WALKER-WARBURG SYNDROME OR MUSCLE-EYE-BRAIN DISEASE, B3GALNT2-RELATED; Congenital muscular dystrophy-dystroglycanopathy with brain and eye anomalies, type A11; Muscular dystrophy-dystroglycanopathy (congenital with brain and eye anomalies, type A, 11. Identifiers: Orphanet 588, Orphanet 899, MedGen C3554638, MONDO:0014071, OMIM 615181.

Allele frequency attached by ClinVar (database versions not stated): 1000 Genomes Project 0.00020; gnomAD exomes 0.00030 and 0.00048; 1000 Genomes Project 30x 0.00031; ExAC 0.00031; gnomAD 0.00033 and 0.00036; TOPMed 0.00034; ESP Exome Variant Server 0.00046.
gnomAD v4.1: 748 of 1,613,886 alleles (0.046%); highest among the groups gnomAD compares: Non-Finnish European, 0.058%; 1 homozygote.

Submissions (4):

CeGaT Center for Human Genetics Tuebingen
Classification: Likely benign. Last evaluated: 2026-03-01. Review status: criteria provided, single submitter. Criteria: CeGaT Center For Human Genetics Tuebingen Variant Classification Criteria Version 2. Collection method: clinical testing. Allele origin: germline. Affected: yes. Observed: 3 variant alleles.
Comment: B3GALNT2: BP4, BP7

Labcorp Genetics (formerly Invitae), Labcorp
Classification: Likely benign for Muscular dystrophy-dystroglycanopathy (congenital with brain and eye anomalies), type a, 11. Last evaluated: 2026-02-01. Review status: criteria provided, single submitter. Criteria: Invitae Variant Classification Sherloc (09022015). Collection method: clinical testing. Allele origin: germline.

Blueprint Genetics
Classification: Likely benign. Last evaluated: 2024-10-31. Review status: criteria provided, single submitter. Criteria: ACMG Guidelines, 2015. Collection method: clinical testing. Allele origin: germline.

GeneDx
Classification: Likely benign. Last evaluated: 2018-05-02. Review status: criteria provided, single submitter. Criteria: GeneDx Variant Classification Process June 2021. Collection method: clinical testing. Allele origin: germline. Affected: yes.